The following is an entry in ClinVar:

NM_000038.6(APC):c.1566G>C (p.Met522Ile)

Gene: APC (APC regulator of Wnt signaling pathway; plus strand). Cytogenetic location: 5q22.2.
Variant type: single nucleotide variant.
Coding change: c.1566G>C on transcript NM_000038.6 (MANE Select); coding-DNA position 1566, G replaced by C.
Protein change: p.Met522Ile; replaces methionine 522 with isoleucine.
Molecular consequence: missense variant.
Genome position (GRCh38, 1-based): chr5:112,827,946, G>C. VCF-style: chr5-112827946-G-C. GRCh37 (hg19) VCF-style: chr5-112163643-G-C.
Other names: c.1179G>C, p.Met393Ile (NM_001407467.1, NM_001407469.1); c.717G>C, p.Met239Ile (NM_001407470.1, NM_001354906.2); c.414G>C, p.Met138Ile (NM_001407471.1, NM_001407472.1); c.1566G>C, p.Met522Ile (NM_001127510.3, NM_001354895.2, NM_001407450.1); c.1512G>C, p.Met504Ile (NM_001127511.3); c.1620G>C, p.Met540Ile (NM_001354896.2, NM_001407447.1, NM_001407448.1 and 1 more transcripts); c.1596G>C, p.Met532Ile (NM_001354897.2); c.1491G>C, p.Met497Ile (NM_001354898.2); and 11 more; short protein forms M362I, M431I, M481I, M494I, M540I, M239I, M439I, M497I.
Identifiers: ClinVar variation 1775386 (VCV001775386.2), dbSNP rs1763872461, ClinGen allele CA16024727.

ClinVar aggregate classification (germline): Uncertain significance (1 of 4 stars; one submission).

Conditions:
Hereditary cancer-predisposing syndrome. Also called: Hereditary Cancer Syndrome; Hereditary neoplastic syndrome; Neoplastic Syndromes, Hereditary; Tumor predisposition. Identifiers: Orphanet 140162, MedGen C0027672, MeSH D009386, MONDO:0015356.

Submission:

Ambry Genetics
Classification: Uncertain significance for Hereditary cancer-predisposing syndrome. Last evaluated: 2021-10-29. Review status: criteria provided, single submitter. Criteria: Ambry Variant Classification Scheme 2023. Collection method: clinical testing. Allele origin: germline.
Comment: The p.M522I variant (also known as c.1566G>C), located in coding exon 12 of the APC gene, results from a G to C substitution at nucleotide position 1566. The methionine at codon 522 is replaced by isoleucine, an amino acid with highly similar properties. This amino acid position is highly conserved in available vertebrate species. In addition, in silico predictors for this gene do not accurately predict pathogenicity. Since supporting evidence is limited at this time, the clinical significance of this alteration remains unclear.